The following is an entry in ClinVar:

ClinVar aggregate classification (germline): Likely pathogenic (1 of 4 stars; one submission).

Conditions:
SYNE1-related disorder. Also called: SYNE1-related disease; SYNE1-related condition; SYNE1-related disorders.

Submission:

PreventionGenetics, part of Exact Sciences
Classification: Likely pathogenic for SYNE1-related condition. Last evaluated: 2023-05-16. Review status: criteria provided, single submitter. Criteria: ACMG Guidelines, 2015. Collection method: clinical testing. Allele origin: germline.
Comment: The SYNE1 c.21016G>T variant is predicted to result in premature protein termination (p.Glu7006*). To our knowledge, this variant has not been reported in the literature or in a large population database, indicating this variant is rare. Nonsense variants in SYNE1 are expected to be pathogenic. Loss of function variants are reported to be pathogenic for autosomal recessive spinocerebellar ataxia and for autosomal recessive arthrogryposis, while rarely for autosomal dominant muscular dystrophy. This variant is interpreted as likely pathogenic for autosomal recessive disease and as a variant of uncertain significance for autosomal dominant disease.

NM_182961.4(SYNE1):c.21229G>T (p.Glu7077Ter)

Gene: SYNE1 (spectrin repeat containing nuclear envelope protein 1; minus strand). Cytogenetic location: 6q25.2.
Variant type: single nucleotide variant.
Coding change: c.21229G>T on transcript NM_182961.4 (MANE Select); coding-DNA position 21229, G replaced by T.
Protein change: p.Glu7077Ter; replaces glutamic acid 7077 with a stop codon.
Molecular consequence: nonsense.
Genome position (GRCh38, 1-based): chr6:152,225,843, C>A on the plus strand (G>T on the coding strand, the complement: SYNE1 is on the minus strand). VCF-style: chr6-152225843-C-A. GRCh37 (hg19) VCF-style: chr6-152546978-C-A.
Other names: c.21016G>T, p.Glu7006Ter (NM_033071.5); short protein forms E7006*, E7077*.
Identifiers: ClinVar variation 2632782 (VCV002632782.1), dbSNP rs2551545295, ClinGen allele CA366109820.
Genomic context (GRCh38, chr6:152,225,843, plus strand): 5'-AGACGTCTTCTTTCTTGTTCTGAATCAAAGCAAGTCCATTCTGCTCAATTTTCTCTACTT[C>A]TTTTTCTTTTGCTTTAATCAAATCTTCCAGATCCTGAAAGATTTAAAAAATAGTCACTTT-3'